The following is an entry in ClinVar:

ClinVar aggregate classification (germline): Uncertain significance. Review status: criteria provided, multiple submitters, no conflicts (2 of 4 stars). 2 submissions from 2 submitters: Uncertain significance (2). Last evaluated 2025-11-16.

Conditions:
Hereditary cancer-predisposing syndrome. Also called: Neoplastic Syndromes, Hereditary; Tumor predisposition; Hereditary neoplastic syndrome; Hereditary Cancer Syndrome. Identifiers: Orphanet 140162, MedGen C0027672, MeSH D009386, MONDO:0015356.
Familial cancer of breast. Also called: hereditary breast carcinoma; BREAST CANCER, FAMILIAL; Hereditary breast cancer. Identifiers: Orphanet 227535, MedGen C0346153, MONDO:0016419, OMIM 114480. Disease mechanism: loss of function.

Submissions (2):

Ambry Genetics
Classification: Uncertain significance for Hereditary cancer-predisposing syndrome. Last evaluated: 2025-11-16. Review status: criteria provided, single submitter. Criteria: Ambry Variant Classification Scheme 2023. Collection method: clinical testing. Allele origin: germline.
Comment: The p.M491L variant (also known as c.1471A>C), located in coding exon 13 of the CHEK2 gene, results from an A to C substitution at nucleotide position 1471. The methionine at codon 491 is replaced by leucine, an amino acid with highly similar properties. This amino acid position is highly conserved in available vertebrate species. In addition, the in silico prediction for this alteration is inconclusive. Since supporting evidence is limited at this time, the clinical significance of this alteration remains unclear.

Labcorp Genetics (formerly Invitae), Labcorp
Classification: Uncertain significance for Familial cancer of breast. Last evaluated: 2022-07-13. Review status: criteria provided, single submitter. Criteria: Invitae Variant Classification Sherloc (09022015). Collection method: clinical testing. Allele origin: germline.
Comment: This variant is not present in population databases (gnomAD no frequency). In summary, the available evidence is currently insufficient to determine the role of this variant in disease. Therefore, it has been classified as a Variant of Uncertain Significance. Algorithms developed to predict the effect of missense changes on protein structure and function are either unavailable or do not agree on the potential impact of this missense change (SIFT: "Deleterious"; PolyPhen-2: "Benign"; Align-GVGD: "Class C0"). ClinVar contains an entry for this variant (Variation ID: 641828). This variant has not been reported in the literature in individuals affected with CHEK2-related conditions. This sequence change replaces methionine, which is neutral and non-polar, with leucine, which is neutral and non-polar, at codon 491 of the CHEK2 protein (p.Met491Leu).

NM_007194.4(CHEK2):c.1471A>C (p.Met491Leu)

Gene: CHEK2 (checkpoint kinase 2; minus strand). Cytogenetic location: 22q12.1.
Variant type: single nucleotide variant.
Coding change: c.1471A>C on transcript NM_007194.4 (MANE Select); coding-DNA position 1471, A replaced by C.
Protein change: p.Met491Leu; replaces methionine 491 with leucine.
Molecular consequence: missense variant.
Genome position (GRCh38, 1-based): chr22:28,689,206, T>G on the plus strand (A>C on the coding strand, the complement: CHEK2 is on the minus strand). VCF-style: chr22-28689206-T-G. GRCh37 (hg19) VCF-style: chr22-29085194-T-G.
Other names: c.1600A>C, p.Met534Leu (NM_001005735.3); c.808A>C, p.Met270Leu (NM_001257387.3); c.1270A>C, p.Met424Leu (NM_001349956.3); c.1384A>C, p.Met462Leu (NM_145862.3); short protein forms M270L, M424L, M462L, M491L, M534L.
Identifiers: ClinVar variation 641828 (VCV000641828.14), dbSNP rs1555912088, ClinGen allele CA411092688.